The following is an entry in ClinVar:

NM_001199040.2(STRA6):c.96+1623C>T

Genes: CCDC33 (coiled-coil domain containing 33; plus strand), STRA6 (signaling receptor and transporter of retinol STRA6; minus strand). Cytogenetic location: 15q24.1.
Variant type: single nucleotide variant.
Coding change: c.96+1623C>T on transcript NM_001199040.2; 1623 bases into the intron after coding-DNA position 96, C replaced by T.
Molecular consequence: intron variant. On other transcripts: 5 prime UTR variant (1).
Genome position (GRCh38, 1-based): chr15:74,207,736, G>A on the plus strand (C>T on the coding strand, the complement: STRA6 is on the minus strand). VCF-style: chr15-74207736-G-A. GRCh37 (hg19) VCF-style: chr15-74500077-G-A.
Other names: c.-10C>T (NM_001199041.2); c.-16+4391C>T (NM_001437994.1); c.-16+1064C>T (NM_001142619.2, NM_001142617.2, NM_001142620.2).
Identifiers: ClinVar variation 3029241 (VCV003029241.2), dbSNP rs1342908946, ClinGen allele CA715627321.

ClinVar aggregate classification (germline): Likely benign (0 of 4 stars; one submission).

Conditions:
STRA6-related disorder. Also called: STRA6-related condition.

Allele frequency attached by ClinVar (database versions not stated): gnomAD 0.00001; gnomAD exomes below 0.00001; TOPMed below 0.00001.
gnomAD v4.1: 5 of 1,535,636 alleles (0.00033%); highest among the groups gnomAD compares: Non-Finnish European, 0.00035%; no homozygotes.

Submission:

PreventionGenetics, part of Exact Sciences
Classification: Likely benign for STRA6-related condition. Last evaluated: 2021-07-19. Review status: no assertion criteria provided. Collection method: clinical testing. Allele origin: germline.
Comment: This variant is classified as likely benign based on ACMG/AMP sequence variant interpretation guidelines (Richards et al. 2015 PMID: 25741868, with internal and published modifications).